The following is an entry in ClinVar:

NM_001830.4(CLCN4):c.911C>T (p.Thr304Met)

Gene: CLCN4 (Cl-/H+ antiporter 4; plus strand). Cytogenetic location: Xp22.2.
Variant type: single nucleotide variant.
Coding change: c.911C>T on transcript NM_001830.4 (MANE Select); coding-DNA position 911, C replaced by T.
Protein change: p.Thr304Met; replaces threonine 304 with methionine.
Molecular consequence: missense variant.
Genome position (GRCh38, 1-based): chrX:10,208,112, C>T. VCF-style: chrX-10208112-C-T. GRCh37 (hg19) VCF-style: chrX-10176152-C-T.
Other names: c.629C>T, p.Thr210Met (NM_001256944.2); c.911C>T (NM_001830.3); short protein forms T210M, T304M.
Identifiers: ClinVar variation 2049495 (VCV002049495.5), dbSNP rs758243017, ClinGen allele CA10347158.
Genomic context (GRCh38, chrX:10,208,112, plus strand): 5'-ACTACTTTCCCCTGAAGACCTTGTGGAGGTCATTTTTCGCAGCCCTGGTGGCGGCCTTTA[C>T]GCTGAGATCCATCAATCCCTTTGGGAATAGCCGTCTCGTTCTCTTTTATGTGGAATACCA-3'
Protein context (NP_001821.2, residues 294-314): SFFAALVAAF[Thr304Met]LRSINPFGNS

ClinVar aggregate classification (germline): Uncertain significance. Review status: criteria provided, multiple submitters, no conflicts (2 of 4 stars). 2 submissions from 2 submitters: Uncertain significance (2). Last evaluated 2025-05-11.

Conditions:
Inborn genetic diseases. Identifiers: MedGen C0950123, MeSH D030342.

Allele frequency attached by ClinVar (database versions not stated): ExAC 0.00001; gnomAD exomes 0.00001; gnomAD 0.00002; TOPMed 0.00002.
gnomAD v4.1: 9 of 1,209,675 alleles (0.00074%); highest among the groups gnomAD compares: Admixed American, 0.0022%; no homozygotes.

Submissions (2):

Labcorp Genetics (formerly Invitae), Labcorp
Classification: Uncertain significance. Last evaluated: 2025-05-11. Review status: criteria provided, single submitter. Criteria: Invitae Variant Classification Sherloc (09022015). Collection method: clinical testing. Allele origin: germline.
Comment: This sequence change replaces threonine, which is neutral and polar, with methionine, which is neutral and non-polar, at codon 304 of the CLCN4 protein (p.Thr304Met). This variant is present in population databases (rs758243017, gnomAD 0.004%), including at least one homozygous and/or hemizygous individual. This variant has not been reported in the literature in individuals affected with CLCN4-related conditions. ClinVar contains an entry for this variant (Variation ID: 2049495). Invitae Evidence Modeling of protein sequence and biophysical properties (such as structural, functional, and spatial information, amino acid conservation, physicochemical variation, residue mobility, and thermodynamic stability) has been performed for this missense variant. However, the output from this modeling did not meet the statistical confidence thresholds required to predict the impact of this variant on CLCN4 protein function. In summary, the available evidence is currently insufficient to determine the role of this variant in disease. Therefore, it has been classified as a Variant of Uncertain Significance.

Ambry Genetics
Classification: Uncertain significance for Inborn genetic diseases. Last evaluated: 2025-01-22. Review status: criteria provided, single submitter. Criteria: Ambry Variant Classification Scheme 2023. Collection method: clinical testing. Allele origin: germline.